The following is an entry in ClinVar:

NM_012301.4(MAGI2):c.531T>C (p.Thr177=)

Gene: MAGI2 (membrane associated guanylate kinase, WW and PDZ domain containing 2; minus strand). Cytogenetic location: 7q21.11.
Variant type: single nucleotide variant.
Coding change: c.531T>C on transcript NM_012301.4 (MANE Select); coding-DNA position 531, T replaced by C.
Protein change: p.Thr177=; no amino-acid change (threonine 177 retained).
Molecular consequence: synonymous variant.
Genome position (GRCh38, 1-based): chr7:78,627,127, A>G on the plus strand (T>C on the coding strand, the complement: MAGI2 is on the minus strand). VCF-style: chr7-78627127-A-G. GRCh37 (hg19) VCF-style: chr7-78256443-A-G.
Other names: p.Thr177=; c.531T>C, p.Thr177= (NM_001301128.2).
Identifiers: ClinVar variation 129566 (VCV000129566.18), dbSNP rs34088845, ClinGen allele CA153644.

ClinVar aggregate classification (germline): Benign. Review status: criteria provided, multiple submitters, no conflicts (2 of 4 stars). 5 submissions from 5 submitters: Benign (5). Last evaluated 2026-01-27.

Allele frequency attached by ClinVar (database versions not stated): gnomAD exomes 0.00080 and 0.00244; ExAC 0.00313; gnomAD 0.00932 and 0.00991; TOPMed 0.01076; ESP Exome Variant Server 0.01123; 1000 Genomes Project 30x 0.01187; 1000 Genomes Project 0.01198.
gnomAD v4.1: 2,605 of 1,583,228 alleles (0.16%); highest among the groups gnomAD compares: African/African-American, 3.2%; 46 homozygotes.

Submissions (5):

Labcorp Genetics (formerly Invitae), Labcorp
Classification: Benign. Last evaluated: 2026-01-27. Review status: criteria provided, single submitter. Criteria: Invitae Variant Classification Sherloc (09022015). Collection method: clinical testing. Allele origin: germline.

Mayo Clinic Laboratories, Mayo Clinic
Classification: Benign. Last evaluated: 2023-04-20. Review status: criteria provided, single submitter. Criteria: ACMG Guidelines, 2015. Collection method: clinical testing. Allele origin: germline. Observed: 4 variant alleles.
Comment: BS1, BS2, BP4, BP7

Athena Diagnostics
Classification: Benign. Last evaluated: 2018-04-11. Review status: criteria provided, single submitter. Criteria: Athena Diagnostics Criteria. Collection method: clinical testing. Allele origin: germline.

Genetic Services Laboratory, University of Chicago
Classification: Benign for AllHighlyPenetrant. Last evaluated: 2013-03-06. Review status: criteria provided, single submitter. Criteria: ACMG Guidelines, 2007. Collection method: clinical testing. Allele origin: germline. Inheritance: Autosomal dominant inheritance.

Breakthrough Genomics
Classification: Benign. Review status: criteria provided, single submitter. Criteria: ACMG Guidelines, 2015. Collection method: not provided. Allele origin: germline. Inheritance: Autosomal recessive inheritance. Affected: yes.